The following is an entry in ClinVar:

ClinVar aggregate classification (germline): Uncertain significance. Review status: criteria provided, multiple submitters, no conflicts (2 of 4 stars). 2 submissions from 2 submitters: Uncertain significance (2). Last evaluated 2025-10-08.

Conditions:
Inborn genetic diseases. Identifiers: MedGen C0950123, MeSH D030342.

Allele frequency attached by ClinVar (database versions not stated): TOPMed below 0.00001.

Submissions (2):

Ambry Genetics
Classification: Uncertain significance for Inborn genetic diseases. Last evaluated: 2025-10-08. Review status: criteria provided, single submitter. Criteria: Ambry Variant Classification Scheme 2023. Collection method: clinical testing. Allele origin: germline.

Labcorp Genetics (formerly Invitae), Labcorp
Classification: Uncertain significance. Last evaluated: 2021-07-12. Review status: criteria provided, single submitter. Criteria: Invitae Variant Classification Sherloc (09022015). Collection method: clinical testing. Allele origin: germline.
Comment: This sequence change replaces isoleucine with valine at codon 389 of the TIMM50 protein (p.Ile389Val). The isoleucine residue is highly conserved and there is a small physicochemical difference between isoleucine and valine. This variant is not present in population databases (ExAC no frequency). This variant has not been reported in the literature in individuals with TIMM50-related conditions. Algorithms developed to predict the effect of missense changes on protein structure and function are either unavailable or do not agree on the potential impact of this missense change (SIFT: "Not Available"; PolyPhen-2: "Possibly Damaging"; Align-GVGD: "Not Available"). In summary, the available evidence is currently insufficient to determine the role of this variant in disease. Therefore, it has been classified as a Variant of Uncertain Significance.

NM_001001563.5(TIMM50):c.856A>G (p.Ile286Val)

Gene: TIMM50 (translocase of inner mitochondrial membrane 50; plus strand). Cytogenetic location: 19q13.2.
Variant type: single nucleotide variant.
Coding change: c.856A>G on transcript NM_001001563.5 (MANE Select); coding-DNA position 856, A replaced by G.
Protein change: p.Ile286Val; replaces isoleucine 286 with valine.
Molecular consequence: missense variant.
Genome position (GRCh38, 1-based): chr19:39,488,541, A>G. VCF-style: chr19-39488541-A-G. GRCh37 (hg19) VCF-style: chr19-39979181-A-G.
Other names: c.1165A>G (NM_001001563.1); c.517A>G, p.Ile173Val (NM_001329559.2); short protein forms I173V, I286V.
Identifiers: ClinVar variation 1427155 (VCV001427155.7), dbSNP rs2079523055, ClinGen allele CA405790042.